The following is an entry in ClinVar:

NM_000059.4(BRCA2):c.7805+10G>A

Gene: BRCA2 (BRCA2 DNA repair associated; plus strand). Cytogenetic location: 13q13.1.
Variant type: single nucleotide variant.
Coding change: c.7805+10G>A on transcript NM_000059.4 (MANE Select); 10 bases into the intron after coding-DNA position 7805, G replaced by A.
Molecular consequence: intron variant.
Genome position (GRCh38, 1-based): chr13:32,357,939, G>A. VCF-style: chr13-32357939-G-A. GRCh37 (hg19) VCF-style: chr13-32932076-G-A.
Identifiers: ClinVar variation 512841 (VCV000512841.1), dbSNP rs1057521672, ClinGen allele CA658798124.

ClinVar aggregate classification (germline): Likely benign (1 of 4 stars; one submission).

gnomAD v4.1: 1 of 1,611,330 alleles (0.000062%); highest among the groups gnomAD compares: Non-Finnish European, 0.000085%; no homozygotes.

Submission:

GeneDx
Classification: Likely benign. Last evaluated: 2017-10-18. Review status: criteria provided, single submitter. Criteria: GeneDx Variant Classification (06012015). Collection method: clinical testing. Allele origin: germline. Affected: yes.
Comment: This variant is considered likely benign or benign based on one or more of the following criteria: it is a conservative change, it occurs at a poorly conserved position in the protein, it is predicted to be benign by multiple in silico algorithms, and/or has population frequency not consistent with disease.